The following is an entry in ClinVar:

NM_000051.4(ATM):c.8319_8323dup (p.Pro2775fs)

Genes: ATM (ATM serine/threonine kinase; plus strand), C11orf65 (chromosome 11 open reading frame 65; minus strand). Cytogenetic location: 11q22.3.
Variant type: Duplication.
Coding change: c.8319_8323dup on transcript NM_000051.4 (MANE Select); coding-DNA positions 8319 to 8323, 5 bases duplicated (TGTCC; older notation c.8319_8323dupTGTCC).
Protein change: p.Pro2775fs; shifts the reading frame from proline 2775.
Molecular consequence: frameshift variant. On other transcripts: intron variant (2).
Genome position (GRCh38, 1-based): chr11:108,343,272-108,343,276, TGTCC duplicated; duplicating any 5 consecutive bases within chr11:108,343,271-108,343,276 gives the same sequence; the c. name uses the placement nearest the transcript's 3' end. VCF-style (leftmost placement, unchanged base first): chr11-108343270-A-ACTGTC. GRCh37 (hg19) VCF-style: chr11-108213997-A-ACTGTC.
Other names: c.8319_8323dupTGTCC (NM_000051.3); c.8319_8323dup, p.Pro2775fs (NM_001351834.2); c.641-34204_641-34200dup (NM_001330368.2); c.695-7983_695-7979dup (NM_001351110.2); short protein forms P2775fs.
Identifiers: ClinVar variation 407483 (VCV000407483.20), dbSNP rs1555135596, ClinGen allele CA16613162.

ClinVar aggregate classification (germline): Pathogenic. Review status: criteria provided, multiple submitters, no conflicts (2 of 4 stars). 6 submissions from 6 submitters: Pathogenic (6). Last evaluated 2025-12-13.

Conditions:
ATM-related cancer predisposition. Also called: ATM-related cancer susceptibility. Identifiers: MedGen CN377759, MONDO:0700270.
Hereditary cancer-predisposing syndrome. Also called: Neoplastic Syndromes, Hereditary; Hereditary Cancer Syndrome; Tumor predisposition; Hereditary neoplastic syndrome. Identifiers: Orphanet 140162, MedGen C0027672, MeSH D009386, MONDO:0015356.
Ataxia-telangiectasia syndrome (AT). Also called: LOUIS-BAR SYNDROME; Cerebello-oculocutaneous telangiectasia; Immunodeficiency with ataxia telangiectasia; Ataxia-telangiectasia, complementation group D; AT, COMPLEMENTATION GROUP C; Ataxia-telangiectasia, complementation group E. Identifiers: Orphanet 100, MedGen C0004135, MONDO:0008840, OMIM 208900.
Familial cancer of breast. Also called: Hereditary breast cancer; BREAST CANCER, FAMILIAL; hereditary breast carcinoma. Identifiers: Orphanet 227535, MedGen C0346153, MONDO:0016419, OMIM 114480. Disease mechanism: loss of function.

Submissions (6):

Labcorp Genetics (formerly Invitae), Labcorp
Classification: Pathogenic for Ataxia-telangiectasia syndrome. Last evaluated: 2025-12-13. Review status: criteria provided, single submitter. Criteria: Invitae Variant Classification Sherloc (09022015). Collection method: clinical testing. Allele origin: germline.
Comment: This sequence change creates a premature translational stop signal (p.Pro2775Leufs*33) in the ATM gene. It is expected to result in an absent or disrupted protein product. Loss-of-function variants in ATM are known to be pathogenic (PMID: 23807571, 25614872). This variant is not present in population databases (gnomAD no frequency). This premature translational stop signal has been observed in individual(s) with breast cancer (PMID: 28423363). This variant is also known as c.8318_8322dup. ClinVar contains an entry for this variant (Variation ID: 407483). Algorithms developed to predict the effect of sequence changes on RNA splicing suggest that this variant may disrupt the consensus splice site. For these reasons, this variant has been classified as Pathogenic.

Dasa
Classification: Pathogenic for ATM-related cancer predisposition. Last evaluated: 2025-09-04. Review status: criteria provided, single submitter. Criteria: DASA Assertion Criteria. Collection method: clinical testing. Allele origin: germline.
Comment: NM_000051.4(ATM):c.8319_8323dup (p.Pro2775Leufs*33) is a frameshift variant in ATM predicted to alter the reading frame and introduce a premature termination codon and is predicted to result in an absent or altered protein product. Loss of function is an established disease mechanism for ATM (PMID: 3574400; PMID: 27595995; PMID: 15928302). The affected residue or protein region has prior evidence supporting clinical relevance. Also, this variant is absent from population databases. Based on the currently available evidence, this variant is classified as pathogenic.

GeneKor MSA
Classification: Pathogenic for Hereditary cancer-predisposing syndrome. Last evaluated: 2025-05-15. Review status: criteria provided, single submitter. Criteria: ACMG Guidelines, 2015. Collection method: clinical testing. Allele origin: germline. Affected: yes.
Comment: This is a single nucleotide substitution, replacing Glutamine with a Termination codon in the ATM gene -p.(Gln2684*). It is expected to result in an absent or disrupted protein product. Loss-of-function variants in ATM are known to be pathogenic (PMID:23807571, 25614872). This variant is not present in population databases (rs1555127102). This nucleotide change has been reported in the literature in individuals affected with breast cancer (PMID:28423363, 32365798). The mutation database ClinVar contains entries for this variant where it is listed as pathogenic (VCV000407483.17). Based on the classification criteria set by the ACMG and AMP (PMID:25741868) this variant has been classified as pathogenic.

Myriad Genetics, Inc.
Classification: Pathogenic for Familial cancer of breast. Last evaluated: 2024-02-01. Review status: criteria provided, single submitter. Criteria: Myriad Autosomal Dominant, Autosomal Recessive and X-Linked Classification Criteria (2023). Collection method: clinical testing. Allele origin: unknown.
Comment: This variant is considered pathogenic. This variant creates a frameshift predicted to result in premature protein truncation.

Color Diagnostics, LLC DBA Color Health
Classification: Pathogenic for Hereditary cancer-predisposing syndrome. Last evaluated: 2023-03-21. Review status: criteria provided, single submitter. Criteria: ACMG Guidelines, 2015. Collection method: clinical testing. Allele origin: germline.
Comment: This variant, also known as c.8318_8322dupCTGTC, inserts 5 nucleotides in exon 57 of the ATM gene, creating a frameshift and premature translation stop signal. This variant is expected to result in an absent or non-functional protein product. This variant has been reported in individuals affected with breast cancer (PMID: 28423363, 32325837, 32365798, 34262154). One of these individuals was also affected with multiple primary melanoma and basal cell carcinoma (PMID: 32325837). This variant has not been identified in the general population by the Genome Aggregation Database (gnomAD). Loss of ATM function is a known mechanism of disease. Based on the available evidence, this variant is classified as Pathogenic.

Ambry Genetics
Classification: Pathogenic for Hereditary cancer-predisposing syndrome. Last evaluated: 2019-06-03. Review status: criteria provided, single submitter. Criteria: Ambry Variant Classification Scheme 2023. Collection method: clinical testing. Allele origin: germline.
Comment: The c.8319_8323dupTGTCC pathogenic mutation, located in coding exon 56 of the ATM gene, results from a duplication of TGTCC at nucleotide position 8319, causing a translational frameshift with a predicted alternate stop codon (p.P2775Lfs*33). This alteration was identified in a cohort of Italian breast/ovarian cancer patients (Tedaldi G et al. Oncotarget, 2017 Jul;8:47064-47075); of note, this alteration was designated as c.8318_8322dupCTGTC in this study. In addition to the clinical data presented in the literature, this alteration is expected to result in loss of function by premature protein truncation or nonsense-mediated mRNA decay. As such, this alteration is interpreted as a disease-causing mutation.

Literature cited by the submitters: PubMed 23807571 (cited by Labcorp Genetics (formerly Invitae), Labcorp and GeneKor MSA); PubMed 25614872 (cited by Labcorp Genetics (formerly Invitae), Labcorp and GeneKor MSA); PubMed 28423363 (cited by 4 submitters); PubMed 3574400 (cited by Dasa); PubMed 27595995 (cited by Dasa); PubMed 15928302 (cited by Dasa); PubMed 32365798 (cited by GeneKor MSA and Color Diagnostics, LLC DBA Color Health); PubMed 32325837 (cited by Color Diagnostics, LLC DBA Color Health); PubMed 34262154 (cited by Color Diagnostics, LLC DBA Color Health).